The following is an entry in ClinVar:

NM_006180.6(NTRK2):c.197A>G (p.Glu66Gly)

Gene: NTRK2 (neurotrophic receptor tyrosine kinase 2; plus strand). Cytogenetic location: 9q21.33.
Variant type: single nucleotide variant.
Coding change: c.197A>G on transcript NM_006180.6 (MANE Select); coding-DNA position 197, A replaced by G.
Protein change: p.Glu66Gly; replaces glutamic acid 66 with glycine.
Molecular consequence: missense variant.
Genome position (GRCh38, 1-based): chr9:84,670,945, A>G. VCF-style: chr9-84670945-A-G. GRCh37 (hg19) VCF-style: chr9-87285860-A-G.
Other names: c.197A>G, p.Glu66Gly (NM_001007097.3, NM_001018064.3, NM_001018065.2 and 18 more transcripts); short protein forms E66G.
Identifiers: ClinVar variation 3346601 (VCV003346601.1).

ClinVar aggregate classification (germline): Uncertain significance (0 of 4 stars; one submission).

Conditions:
NTRK2-related disorder. Also called: NTRK2-related condition.

Submission:

PreventionGenetics, part of Exact Sciences
Classification: Uncertain significance for NTRK2-related condition. Last evaluated: 2024-05-16. Review status: no assertion criteria provided. Collection method: clinical testing. Allele origin: germline.
Comment: The NTRK2 c.197A>G variant is predicted to result in the amino acid substitution p.Glu66Gly. To our knowledge, this variant has not been reported in the literature or in a large population database, indicating this variant is rare. At this time, the clinical significance of this variant is uncertain due to the absence of conclusive functional and genetic evidence.